The following is an entry in ClinVar:

NM_005591.4(MRE11):c.1382T>C (p.Phe461Ser)

Gene: MRE11 (MRE11 homolog, double strand break repair nuclease; minus strand). Cytogenetic location: 11q21.
Variant type: single nucleotide variant.
Coding change: c.1382T>C on transcript NM_005591.4 (MANE Select); coding-DNA position 1382, T replaced by C.
Protein change: p.Phe461Ser; replaces phenylalanine 461 with serine.
Molecular consequence: missense variant.
Genome position (GRCh38, 1-based): chr11:94,459,526, A>G on the plus strand (T>C on the coding strand, the complement: MRE11 is on the minus strand). VCF-style: chr11-94459526-A-G. GRCh37 (hg19) VCF-style: chr11-94192692-A-G.
Other names: c.1382T>C, p.Phe461Ser (NM_001330347.2, NM_005590.4); short protein forms F461S.
Identifiers: ClinVar variation 1681583 (VCV001681583.3), dbSNP rs2134991145, ClinGen allele CA382371940.
Genomic context (GRCh38, chr11:94,459,526, plus strand): 5'-GTTTTTTCCAACTGGTATTTCACTAATTCCTCAATGGCATCTTTCTCCTCCTTGTCCACA[A>G]ATTCTTGTACTGCTTCACCCATCCCTCTTTCTGTTAGCAGTGAGAGCTGCACATTCTGTA-3'
Protein context (NP_005582.1, residues 451-471): ERGMGEAVQE[Phe461Ser]VDKEEKDAIE

ClinVar aggregate classification (germline): Uncertain significance (1 of 4 stars; one submission).

Conditions:
Ataxia-telangiectasia-like disorder (ATLD). Identifiers: MedGen C1858391, MONDO:0011457.

Submission:

Labcorp Genetics (formerly Invitae), Labcorp
Classification: Uncertain significance for Ataxia-telangiectasia-like disorder. Last evaluated: 2021-08-06. Review status: criteria provided, single submitter. Criteria: Invitae Variant Classification Sherloc (09022015). Collection method: clinical testing. Allele origin: germline.
Comment: This sequence change replaces phenylalanine with serine at codon 461 of the MRE11 protein (p.Phe461Ser). The phenylalanine residue is highly conserved and there is a large physicochemical difference between phenylalanine and serine. This variant is not present in population databases (ExAC no frequency). This variant has not been reported in the literature in individuals affected with MRE11-related conditions. Algorithms developed to predict the effect of missense changes on protein structure and function (SIFT, PolyPhen-2, Align-GVGD) all suggest that this variant is likely to be disruptive. In summary, the available evidence is currently insufficient to determine the role of this variant in disease. Therefore, it has been classified as a Variant of Uncertain Significance.